The following is an entry in ClinVar:

NM_004100.5(EYA4):c.1739-89_1739-85del

Genes: EYA4 (EYA transcriptional coactivator and phosphatase 4; plus strand), TARID (TCF21 antisense RNA inducing promoter demethylation; minus strand). Cytogenetic location: 6q23.2.
Variant type: Deletion.
Coding change: c.1739-89_1739-85del on transcript NM_004100.5 (MANE Select); 89 bases into the intron before coding-DNA position 1739 through 85 bases into the intron before coding-DNA position 1739, 5 bases deleted (ACTTA; older notation c.1739-89_1739-85delACTTA).
Molecular consequence: intron variant. On other transcripts: frameshift variant (3).
Genome position (GRCh38, 1-based): chr6:133,525,065-133,525,069, ACTTA deleted; deleting any 5 consecutive bases within chr6:133,525,063-133,525,069 gives the same sequence; the c. name uses the placement nearest the transcript's 3' end. VCF-style (leftmost placement, unchanged base first): chr6-133525062-ATAACT-A. GRCh37 (hg19) VCF-style: chr6-133846200-ATAACT-A.
Other names: c.1627_1631del, p.Thr543fs (NM_001301012.2); c.1720_1724del, p.Thr574fs (NM_001370458.1); c.1789_1793del, p.Thr597fs (NM_172105.4); c.1757-89_1757-85del (NM_001301013.2); c.1670-89_1670-85del (NM_172103.4); c.1595-89_1595-85del (NM_001370459.1); short protein forms T543fs, T574fs, T597fs.
Identifiers: ClinVar variation 1205113 (VCV001205113.5), dbSNP rs1293390303, ClinGen allele CA819199420.

ClinVar aggregate classification (germline): Conflicting classifications of pathogenicity. Review status: criteria provided, conflicting classifications (1 of 4 stars). 2 submissions from 2 submitters: Pathogenic (1); Uncertain significance (1). Last evaluated 2025-08-21.

Conditions:
Autosomal dominant nonsyndromic hearing loss 10. Identifiers: Orphanet 90635, MedGen C1832476, MONDO:0011031, OMIM 601316.

Submissions (2):

GeneDx
Classification: Uncertain significance. Last evaluated: 2025-08-21. Review status: criteria provided, single submitter. Criteria: GeneDx Variant Classification Process June 2021. Collection method: clinical testing. Allele origin: germline. Affected: yes.
Comment: Frameshift variant predicted to result in abnormal protein length as the last 43 amino acids are replaced with 8 different amino acids; Not observed at significant frequency in large population cohorts (gnomAD); Has not been previously published as pathogenic or benign to our knowledge; Reported using an alternate transcript of the gene

Laboratory of Prof. Karen Avraham, Tel Aviv University
Classification: Pathogenic for Autosomal dominant nonsyndromic hearing loss 10. Last evaluated: 2024-05-08. Review status: criteria provided, single submitter. Criteria: ACMG Guidelines, 2015. Collection method: research. Allele origin: germline. Affected: yes. Observed: 1 variant allele.
Comment: A frameshit variant in a known dominant deafness gene in which allframeshifts known variants are pathogenic

DFNA10; high tone HL, normal-moderate